The following is an entry in ClinVar:

ClinVar aggregate classification (germline): not provided (0 of 4 stars; one submission).

Allele frequency attached by ClinVar (database versions not stated): TOPMed 0.00002; gnomAD 0.00005 and 0.00006.
gnomAD v4.1: 28 of 1,614,166 alleles (0.0017%); highest among the groups gnomAD compares: Middle Eastern, 0.016%; no homozygotes.

Submission:

Human Evolutionary Genetics, Institut Pasteur
No classification provided. Review status: no classification provided. Collection method: not provided. Allele origin: germline.
ClinVar note: Converted during submission from untested to not provided.

NM_001282144.2(NLRX1):c.794C>T (p.Pro265Leu)

Gene: NLRX1 (NLR family member X1; plus strand). Cytogenetic location: 11q23.3.
Variant type: single nucleotide variant.
Coding change: c.794C>T on transcript NM_001282144.2 (MANE Select); coding-DNA position 794, C replaced by T.
Protein change: p.Pro265Leu; replaces proline 265 with leucine.
Molecular consequence: missense variant.
Genome position (GRCh38, 1-based): chr11:119,174,043, C>T. VCF-style: chr11-119174043-C-T. GRCh37 (hg19) VCF-style: chr11-119044752-C-T.
Other names: c.794C>T, p.Pro265Leu (NM_001282143.2, NM_001282358.2, NM_024618.4); short protein forms P265L.
Identifiers: ClinVar variation 103148 (VCV000103148.2), dbSNP rs199476042, ClinGen allele CA230187.